The following is an entry in ClinVar:

ClinVar aggregate classification (germline): Pathogenic (1 of 4 stars; one submission).

Conditions:
Ehlers-Danlos syndrome due to tenascin-X deficiency (EDSCLL1). Also called: EHLERS-DANLOS SYNDROME, CLASSIC-LIKE; TNX DEFICIENCY; EDS DUE TO TNX DEFICIENCY; Ehlers-Danlos syndrome, classic-like, 1; TNXB-Related Classical-Like Ehlers-Danlos Syndrome. Identifiers: Orphanet 230839, MedGen C1848029, MONDO:0011670, OMIM 606408.

Submission:

Women's Health and Genetics/Laboratory Corporation of America, LabCorp
Classification: Pathogenic for Ehlers-Danlos syndrome due to tenascin-X deficiency. Last evaluated: 2025-12-08. Review status: criteria provided, single submitter. Criteria: LabCorp Variant Classification Summary - May 2015. Collection method: clinical testing. Allele origin: germline.
Comment: Variant summary: TNXB c.52dupC (p.Leu18ProfsX61) results in a premature termination codon, predicted to cause a truncation of the encoded protein or absence of the protein due to nonsense mediated decay, which are commonly known mechanisms for disease. The variant was absent in 232180 control chromosomes. To our knowledge, no occurrence of c.52dupC in individuals affected with TNXB-related conditions and no experimental evidence demonstrating its impact on protein function have been reported. No submitters have cited clinical-significance assessments for this variant to ClinVar. Based on the evidence outlined above, the variant was classified as pathogenic.

NM_001365276.2(TNXB):c.52dup (p.Leu18fs)

Gene: TNXB (tenascin XB; minus strand). Cytogenetic location: 6p21.33.
Variant type: Duplication.
Coding change: c.52dup on transcript NM_001365276.2 (MANE Select); coding-DNA position 52, one base duplicated (C; older notation c.52dupC).
Protein change: p.Leu18fs; shifts the reading frame from leucine 18.
Molecular consequence: frameshift variant.
Genome position (GRCh38, 1-based): chr6:32,098,147, G duplicated on the plus strand (C on the coding strand, the reverse complement: TNXB is on the minus strand). VCF-style (leftmost placement, unchanged base first): chr6-32098146-A-AG. GRCh37 (hg19) VCF-style: chr6-32065923-A-AG.
Other names: c.52dupC (NM_019105.8); c.52dup, p.Leu18fs (NM_001428335.1, NM_019105.8); short protein forms L18fs.
Identifiers: ClinVar variation 4688507 (VCV004688507.1).